The following is an entry in ClinVar:

NM_001376.5(DYNC1H1):c.7449C>T (p.Ile2483=)

Gene: DYNC1H1 (dynein cytoplasmic 1 heavy chain 1; plus strand). Cytogenetic location: 14q32.31.
Variant type: single nucleotide variant.
Coding change: c.7449C>T on transcript NM_001376.5 (MANE Select); coding-DNA position 7449, C replaced by T.
Protein change: p.Ile2483=; no amino-acid change (isoleucine 2483 retained).
Molecular consequence: synonymous variant.
Genome position (GRCh38, 1-based): chr14:102,016,062, C>T. VCF-style: chr14-102016062-C-T. GRCh37 (hg19) VCF-style: chr14-102482399-C-T.
Other names: p.I2483I:ATC>ATT; p.Ile2483=.
Identifiers: ClinVar variation 128941 (VCV000128941.43), dbSNP rs17541158, ClinGen allele CA152652.

ClinVar aggregate classification (germline): Benign. Review status: criteria provided, multiple submitters, no conflicts (2 of 4 stars). 15 submissions from 14 submitters: Benign (12). 3 of the submissions do not count toward it. Last evaluated 2026-02-04.

Conditions:
Autosomal dominant cerebellar ataxia. Also called: Spinocerebellar Ataxia, Dominant. Identifiers: Orphanet 99, MedGen C4087347, MONDO:0020380.
Charcot-Marie-Tooth disease. Also called: Charcot-Marie-Tooth Neuropathy; Charcot-Marie-Tooth Hereditary Neuropathy. Identifiers: Orphanet 166, MedGen C0007959, MONDO:0015626.
Inborn genetic diseases. Identifiers: MedGen C0950123, MeSH D030342.
Charcot-Marie-Tooth disease axonal type 2O. Also called: CHARCOT-MARIE-TOOTH NEUROPATHY, AXONAL, TYPE 2O; CHARCOT-MARIE-TOOTH DISEASE, AXONAL, AUTOSOMAL DOMINANT, TYPE 2O; Charcot-Marie-Tooth Neuropathy Type 2O; Charcot-Marie-Tooth disease, axonal, type 20. Identifiers: Orphanet 284232, MedGen C3280220, MONDO:0013644, OMIM 614228.

Allele frequency attached by ClinVar (database versions not stated): 1000 Genomes Project 0.01518; 1000 Genomes Project 30x 0.01546; TOPMed 0.02895; gnomAD 0.03068; ESP Exome Variant Server 0.03368; ExAC 0.03832.
gnomAD v4.1: 60,949 of 1,611,844 alleles (3.8%); highest among the groups gnomAD compares: Middle Eastern, 6.6%; 1,398 homozygotes.

Submissions (15):

Labcorp Genetics (formerly Invitae), Labcorp
Classification: Benign for Charcot-Marie-Tooth disease axonal type 2O. Last evaluated: 2026-02-04. Review status: criteria provided, single submitter. Criteria: Invitae Variant Classification Sherloc (09022015). Collection method: clinical testing. Allele origin: germline.

ARUP Laboratories, Molecular Genetics and Genomics, ARUP Laboratories
Classification: Benign. Last evaluated: 2025-06-25. Review status: criteria provided, single submitter. Criteria: ARUP Molecular Germline Variant Investigation Process 2024. Collection method: clinical testing. Allele origin: germline.

Athena Diagnostics
Classification: Benign. Last evaluated: 2024-04-11. Review status: criteria provided, single submitter. Criteria: Athena Diagnostics Criteria. Collection method: clinical testing. Allele origin: unknown.

Illumina Laboratory Services, Illumina
Classification: Benign for Charcot-Marie-Tooth disease axonal type 2O. Last evaluated: 2018-01-12. Review status: criteria provided, single submitter. Criteria: ICSL Variant Classification Criteria 13 December 2019. Collection method: clinical testing. Allele origin: germline.
Comment: This variant was observed in the ICSL laboratory as part of a predisposition screen in an ostensibly healthy population. It had not been previously curated by ICSL or reported in the Human Gene Mutation Database (HGMD: prior to June 1st, 2018), and was therefore a candidate for classification through an automated scoring system. Utilizing variant allele frequency, disease prevalence and penetrance estimates, and inheritance mode, an automated score was calculated to assess if this variant is too frequent to cause the disease. Based on the score and internal cut-off values, a variant classified as benign is not then subjected to further curation. The score for this variant resulted in a classification of benign for this disease.

Illumina Laboratory Services, Illumina
Classification: Benign for Spinocerebellar Ataxia, Dominant. Last evaluated: 2018-01-12. Review status: criteria provided, single submitter. Criteria: ICSL Variant Classification Criteria 13 December 2019. Collection method: clinical testing. Allele origin: germline.
Comment: the same text as in the submission from Illumina Laboratory Services, Illumina above.

Mayo Clinic Laboratories, Mayo Clinic
Classification: Benign. Last evaluated: 2016-04-21. Review status: criteria provided, single submitter. Criteria: ACMG Guidelines, 2015. Collection method: clinical testing. Allele origin: germline. Observed: 180 variant alleles.

Ambry Genetics
Classification: Benign for Inborn genetic diseases. Last evaluated: 2016-04-14. Review status: criteria provided, single submitter. Criteria: Ambry Variant Classification Scheme 2023. Collection method: clinical testing. Allele origin: germline.

GeneDx
Classification: Benign. Last evaluated: 2014-01-20. Review status: criteria provided, single submitter. Criteria: GeneDx Variant Classification (06012015). Collection method: clinical testing. Allele origin: germline. Affected: yes.
Comment: This variant is considered likely benign or benign based on one or more of the following criteria: it is a conservative change, it occurs at a poorly conserved position in the protein, it is predicted to be benign by multiple in silico algorithms, and/or has population frequency not consistent with disease.

Genetic Services Laboratory, University of Chicago
Classification: Benign for AllHighlyPenetrant. Last evaluated: 2013-03-26. Review status: criteria provided, single submitter. Criteria: ACMG Guidelines, 2007. Collection method: clinical testing. Allele origin: germline. Inheritance: Autosomal dominant inheritance.

Breakthrough Genomics
Classification: Benign. Review status: criteria provided, single submitter. Criteria: ACMG Guidelines, 2015. Collection method: not provided. Allele origin: germline. Inheritance: Autosomal dominant inheritance. Affected: yes.

Molecular Genetics Laboratory, London Health Sciences Centre
Classification: Benign for Charcot-Marie-Tooth disease. Review status: criteria provided, single submitter. Criteria: ACMG Guidelines, 2015. Collection method: clinical testing. Allele origin: germline. Affected: yes.

PreventionGenetics, part of Exact Sciences
Classification: Benign. Review status: criteria provided, single submitter. Criteria: ACMG Guidelines, 2015. Collection method: clinical testing. Allele origin: germline.

Clinical Genetics DNA and cytogenetics Diagnostics Lab, Erasmus MC, Erasmus Medical Center
Classification: Benign. Review status: no assertion criteria provided. Collection method: clinical testing. Allele origin: germline. Affected: yes. Study: VKGL Data-share Consensus. Not counted in ClinVar's aggregate classification.

Clinical Genetics, Academic Medical Center
Classification: Benign. Review status: no assertion criteria provided. Collection method: clinical testing. Allele origin: germline. Affected: yes. Study: VKGL Data-share Consensus. Not counted in ClinVar's aggregate classification.

Joint Genome Diagnostic Labs from Nijmegen and Maastricht, Radboudumc and MUMC+
Classification: Benign. Review status: no assertion criteria provided. Collection method: clinical testing. Allele origin: germline. Affected: yes. Study: VKGL Data-share Consensus. Not counted in ClinVar's aggregate classification.